The following is an entry in ClinVar:

NM_012156.2(EPB41L1):c.1781T>C (p.Leu594Pro)

Gene: EPB41L1 (erythrocyte membrane protein band 4.1 like 1; plus strand). Cytogenetic location: 20q11.23.
Variant type: single nucleotide variant.
Coding change: c.1781T>C on transcript NM_012156.2 (MANE Select); coding-DNA position 1781, T replaced by C.
Protein change: p.Leu594Pro; replaces leucine 594 with proline.
Molecular consequence: missense variant. On other transcripts: intron variant (1).
Genome position (GRCh38, 1-based): chr20:36,209,600, T>C. VCF-style: chr20-36209600-T-C. GRCh37 (hg19) VCF-style: chr20-34797522-T-C.
Other names: c.1781T>C, p.Leu594Pro (NM_001258329.1); c.1559T>C, p.Leu520Pro (NM_001258331.2, NM_177996.2); c.1540-2672T>C (NM_001258330.1); short protein forms L520P, L594P.
Identifiers: ClinVar variation 1337118 (VCV001337118.4), dbSNP rs558063607, ClinGen allele CA9840099.

ClinVar aggregate classification (germline): Likely benign (1 of 4 stars; one submission).

Allele frequency attached by ClinVar (database versions not stated): TOPMed below 0.00001; gnomAD 0.00001; ExAC 0.00005; gnomAD exomes 0.00006.
gnomAD v4.1: 20 of 1,614,062 alleles (0.0012%); highest among the groups gnomAD compares: South Asian, 0.018%; no homozygotes.

Submission:

Genetic Services Laboratory, University of Chicago
Classification: Likely benign. Last evaluated: 2019-12-18. Review status: criteria provided, single submitter. Criteria: ACMG Guidelines, 2015. Collection method: clinical testing. Allele origin: germline. Affected: no.
Comment: DNA sequence analysis of the EPB41L1 gene demonstrated a sequence change, c.1781T>C, in exon 15 that results in an amino acid change, p.Leu594Pro. This sequence change does not appear to have been previously described in patients with EPB41L1-related disorders has been described in the gnomAD database with a low population frequency of 0.0056% (dbSNP rs558063607). The p.Leu594Pro change affects a moderately conserved amino acid residue located in a domain of the EPB41L1 protein that is known to be functional. In-silico pathogenicity prediction tools (SIFT, PolyPhen2, Align GVGD, REVEL) provide contradictory results for the p.Leu594Pro substitution. The presence of this sequence change in the absence of intellectual disability is indicative of this being a likely benign sequence change.